The following is an entry in ClinVar:

NM_000452.3(SLC10A2):c.512C>A (p.Ser171Tyr)

Gene: SLC10A2 (solute carrier family 10 member 2; minus strand). Cytogenetic location: 13q33.1.
Variant type: single nucleotide variant.
Coding change: c.512C>A on transcript NM_000452.3 (MANE Select); coding-DNA position 512, C replaced by A.
Protein change: p.Ser171Tyr; replaces serine 171 with tyrosine.
Molecular consequence: missense variant.
Genome position (GRCh38, 1-based): chr13:103,052,693, G>T on the plus strand (C>A on the coding strand, the complement: SLC10A2 is on the minus strand). VCF-style: chr13-103052693-G-T. GRCh37 (hg19) VCF-style: chr13-103705043-G-T.
Other names: short protein forms S171Y.
Identifiers: ClinVar variation 4584320 (VCV004584320.2).

ClinVar aggregate classification (germline): Uncertain significance. Review status: criteria provided, multiple submitters, no conflicts (2 of 4 stars). 2 submissions from 2 submitters: Uncertain significance (2). Last evaluated 2026-05-06.

Conditions:
SLC10A2-related disorder. Also called: SLC10A2-related condition.

gnomAD v4.1: 3 of 1,606,770 alleles (0.00019%); highest among the groups gnomAD compares: Middle Eastern, 0.017%; no homozygotes.

Submissions (2):

PreventionGenetics, part of Exact Sciences
Classification: Uncertain significance for SLC10A2-related condition. Last evaluated: 2026-05-06. Review status: criteria provided, single submitter. Criteria: ACMG Guidelines, 2015. Collection method: clinical testing. Allele origin: germline.
Comment: The SLC10A2 c.512C>A variant is predicted to result in the amino acid substitution p.Ser171Tyr. To our knowledge, this variant has not been reported in the literature or population database gnomAD, indicating that this variant is rare. At this time, the clinical significance of this variant is uncertain due to the absence of conclusive functional and genetic evidence.

Ambry Genetics
Classification: Uncertain significance. Last evaluated: 2025-12-09. Review status: criteria provided, single submitter. Criteria: Ambry Variant Classification Scheme 2023. Collection method: clinical testing. Allele origin: germline.